The following is an entry in ClinVar:

NM_138694.4(PKHD1):c.8345G>C (p.Gly2782Ala)

Gene: PKHD1 (PKHD1 ciliary IPT domain containing fibrocystin/polyductin; minus strand). Cytogenetic location: 6p12.3.
Variant type: single nucleotide variant.
Coding change: c.8345G>C on transcript NM_138694.4 (MANE Select); coding-DNA position 8345, G replaced by C.
Protein change: p.Gly2782Ala; replaces glycine 2782 with alanine.
Molecular consequence: missense variant.
Genome position (GRCh38, 1-based): chr6:51,791,331, C>G on the plus strand (G>C on the coding strand, the complement: PKHD1 is on the minus strand). VCF-style: chr6-51791331-C-G. GRCh37 (hg19) VCF-style: chr6-51656129-C-G.
Other names: c.8345G>C, p.Gly2782Ala (NM_170724.3); short protein forms G2782A.
Identifiers: ClinVar variation 96431 (VCV000096431.100), dbSNP rs147222255, ClinGen allele CA224098.

ClinVar aggregate classification (germline): Conflicting classifications of pathogenicity. Review status: criteria provided, conflicting classifications (1 of 4 stars). 20 submissions from 20 submitters: Likely pathogenic (1); Uncertain significance (3); Benign (1); Likely benign (7). 8 of the submissions do not count toward it. Last evaluated 2026-06-01.

Conditions:
PKHD1-related disorder. Also called: PKHD1-related condition.
Polycystic kidney disease 4 (PKD4). Also called: POLYCYSTIC KIDNEY AND HEPATIC DISEASE 1; POLYCYSTIC KIDNEY DISEASE, INFANTILE, TYPE I; POLYCYSTIC KIDNEY DISEASE 4 WITH OR WITHOUT POLYCYSTIC LIVER DISEASE; Autosomal Recessive Polycystic Kidney Disease – PKHD1; PKD3. Identifiers: MedGen C4540575, MONDO:0033004, OMIM 263200.
Autosomal dominant polycystic liver disease. Also called: Polycystic liver disease; Congenital cystic disease of liver. Identifiers: Orphanet 2924, MedGen C0158683, MONDO:0000447, HP:0006557.
Kidney failure. Identifiers: MedGen C0035078, MONDO:0001106.
Caroli disease. Identifiers: Orphanet 53035, MedGen C0162510, MONDO:0010913, OMIM 600643.
Autosomal recessive polycystic kidney disease (ARPKD). Also called: AR polycystic kidney disease. Identifiers: Orphanet 731, Orphanet 8378, MedGen C0085548, MeSH D017044, MONDO:0009889.

Allele frequency attached by ClinVar (database versions not stated): TOPMed 0.00271; 1000 Genomes Project 0.00020; 1000 Genomes Project 30x 0.00047; gnomAD 0.00223; ESP Exome Variant Server 0.00415.
gnomAD v4.1: 6,545 of 1,613,232 alleles (0.41%); highest among the groups gnomAD compares: Non-Finnish European, 0.52%; 14 homozygotes.

Submissions (20):

CeGaT Center for Human Genetics Tuebingen
Classification: Likely benign. Last evaluated: 2026-06-01. Review status: criteria provided, single submitter. Criteria: CeGaT Center For Human Genetics Tuebingen Variant Classification Criteria Version 2. Collection method: clinical testing. Allele origin: germline. Affected: yes. Observed: 4 variant alleles.
Comment: PKHD1: BS2

Labcorp Genetics (formerly Invitae), Labcorp
Classification: Likely benign for Autosomal recessive polycystic kidney disease. Last evaluated: 2026-01-31. Review status: criteria provided, single submitter. Criteria: Invitae Variant Classification Sherloc (09022015). Collection method: clinical testing. Allele origin: germline.

Clinical Genetics Laboratory, Skane University Hospital Lund
Classification: Uncertain significance for Kidney failure. Last evaluated: 2025-09-02. Review status: criteria provided, single submitter. Criteria: ACMG Guidelines, 2015. Collection method: clinical testing. Allele origin: germline. Affected: yes.
Comment: ACMG criteria applied: PM3

Women's Health and Genetics/Laboratory Corporation of America, LabCorp
Classification: Likely benign. Last evaluated: 2025-08-25. Review status: criteria provided, single submitter. Criteria: LabCorp Variant Classification Summary - May 2015. Collection method: clinical testing. Allele origin: germline.
Comment: Variant summary: PKHD1 c.8345G>C (p.Gly2782Ala) results in a non-conservative amino acid change located in the second G8 domain (IPR019316) of the encoded protein sequence. Algorithms developed to predict the effect of missense changes on protein structure and function all suggest that this variant is likely to be disruptive. The variant allele was found at a frequency of 0.0041 in 1613432 control chromosomes, predominantly at a frequency of 0.0052 within the Non-Finnish European subpopulation in the gnomAD database, including 13 homozygotes. c.8345G>C has been reported in the literature in an individual affected with Caroli Disease (example: Giacobbe_2022). The variant has also been reported in in the literature, where it was identified in 2/200 healthy control chromosomes (Sharp 2005, Bergmann 2005), and was listed as a polymorphism (benign) based on the criteria proposed by the authors. These report(s) do not provide unequivocal conclusions about association of the variant with Polycystic Kidney And Hepatic Disease. To our knowledge, no experimental evidence demonstrating an impact on protein function has been reported. ClinVar contains an entry for this variant (Variation ID: 96431). Based on the evidence outlined above, the variant was classified as likely benign.

Mayo Clinic Laboratories, Mayo Clinic
Classification: Benign. Last evaluated: 2025-03-21. Review status: criteria provided, single submitter. Criteria: ACMG Guidelines, 2015. Collection method: clinical testing. Allele origin: germline. Observed: 6 variant alleles.
Comment: BS1, BS2

Blueprint Genetics
Classification: Likely benign. Last evaluated: 2024-11-26. Review status: criteria provided, single submitter. Criteria: ACMG Guidelines, 2015. Collection method: clinical testing. Allele origin: germline.

Laboratory of Molecular Diagnosis of Genetic Disease, Università degli Studi di Napoli Federico II
Classification: Uncertain significance for Caroli disease. Last evaluated: 2021-05-05. Review status: criteria provided, single submitter. Criteria: ACMG Guidelines, 2015. Collection method: clinical testing. Allele origin: germline. Affected: yes. Observed: 1 variant allele.

GeneDx
Classification: Likely benign. Last evaluated: 2020-11-03. Review status: criteria provided, single submitter. Criteria: GeneDx Variant Classification Process June 2021. Collection method: clinical testing. Allele origin: germline. Affected: yes.
Comment: This variant is associated with the following publications: (PMID: 32359821, 15698423, 15805161)

Institute of Human Genetics Munich, TUM University Hospital
Classification: Likely pathogenic for Polycystic kidney disease 4. Last evaluated: 2017-12-07. Review status: criteria provided, single submitter. Criteria: Classification criteria August 2017. Collection method: clinical testing. Allele origin: paternal. Inheritance: Autosomal recessive inheritance. Affected: yes. Observed: 1 compound heterozygote.

Illumina Laboratory Services, Illumina
Classification: Likely benign for Polycystic kidney disease 4. Last evaluated: 2017-04-27. Review status: criteria provided, single submitter. Criteria: ICSL Variant Classification Criteria 13 December 2019. Collection method: clinical testing. Allele origin: germline.
Comment: This variant was observed as part of a predisposition screen in an ostensibly healthy population. A literature search was performed for the gene, cDNA change, and amino acid change (where applicable). Publications were found based on this search. The evidence from the literature, in combination with allele frequency data from public databases where available, was sufficient to determine this variant is unlikely to cause disease. Therefore, this variant is classified as likely benign.

Department of Pathology and Laboratory Medicine, Sinai Health System
Classification: Uncertain significance. Last evaluated: 2016-09-27. Review status: criteria provided, single submitter. Criteria: ACMG Guidelines, 2015. Collection method: clinical testing. Allele origin: germline. Affected: yes. Study: The Canadian Open Genetics Repository (COGR).

Eurofins Ntd Llc (ga)
Classification: Likely benign. Last evaluated: 2015-10-05. Review status: criteria provided, single submitter. Criteria: EGL Classification Definitions 2015. Collection method: clinical testing. Allele origin: germline. Observed: 3 variant alleles, 3 heterozygotes.

Laboratory of Gastroenterology and Hepatology, Radboud University Medical Center
Classification: Uncertain significance for Autosomal dominant polycystic liver disease. Last evaluated: 2021-09-01. Review status: no assertion criteria provided. Collection method: research. Allele origin: germline. Affected: yes. Not counted in ClinVar's aggregate classification.

PreventionGenetics, part of Exact Sciences
Classification: Likely benign for PKHD1-related condition. Last evaluated: 2020-10-27. Review status: no assertion criteria provided. Collection method: clinical testing. Allele origin: germline. Not counted in ClinVar's aggregate classification.
Comment: This variant is classified as likely benign based on ACMG/AMP sequence variant interpretation guidelines (Richards et al. 2015 PMID: 25741868, with internal and published modifications).

Counsyl
Classification: Uncertain significance for Polycystic kidney disease 4. Last evaluated: 2018-04-02. Review status: no assertion criteria provided. Collection method: clinical testing. Allele origin: unknown. Not counted in ClinVar's aggregate classification.

Natera, Inc.
Classification: Benign for Autosomal recessive polycystic kidney disease. Last evaluated: 2017-06-30. Review status: no assertion criteria provided. Collection method: clinical testing. Allele origin: germline. Not counted in ClinVar's aggregate classification.

Clinical Genetics DNA and cytogenetics Diagnostics Lab, Erasmus MC, Erasmus Medical Center
Classification: Benign. Review status: no assertion criteria provided. Collection method: clinical testing. Allele origin: germline. Affected: yes. Study: VKGL Data-share Consensus. Not counted in ClinVar's aggregate classification.

Diagnostic Laboratory, Department of Genetics, University Medical Center Groningen
Classification: Likely benign. Review status: no assertion criteria provided. Collection method: clinical testing. Allele origin: germline. Affected: yes. Study: VKGL Data-share Consensus. Not counted in ClinVar's aggregate classification.

Genome Diagnostics Laboratory, University Medical Center Utrecht
Classification: Likely benign. Review status: no assertion criteria provided. Collection method: clinical testing. Allele origin: germline. Affected: yes. Study: VKGL Data-share Consensus. Not counted in ClinVar's aggregate classification.

Laboratory of Diagnostic Genome Analysis, Leiden University Medical Center (LUMC)
Classification: Likely benign. Review status: no assertion criteria provided. Collection method: clinical testing. Allele origin: germline. Affected: yes. Study: VKGL Data-share Consensus. Not counted in ClinVar's aggregate classification.

Literature cited by the submitters: PubMed 15698423 (cited by 5 submitters); PubMed 15805161 (cited by 4 submitters); PubMed 35715958 (cited by Women's Health and Genetics/Laboratory Corporation of America, LabCorp and Mayo Clinic Laboratories, Mayo Clinic); PubMed 32359821 (cited by Mayo Clinic Laboratories, Mayo Clinic and Laboratory of Molecular Diagnosis of Genetic Disease, Università degli Studi di Napoli Federico II).